The following is an entry in ClinVar:

NM_000321.3(RB1):c.2473A>G (p.Met825Val)

Gene: RB1 (RB transcriptional corepressor 1; plus strand). Cytogenetic location: 13q14.2.
Variant type: single nucleotide variant.
Coding change: c.2473A>G on transcript NM_000321.3 (MANE Select); coding-DNA position 2473, A replaced by G.
Protein change: p.Met825Val; replaces methionine 825 with valine.
Molecular consequence: missense variant.
Genome position (GRCh38, 1-based): chr13:48,465,352, A>G. VCF-style: chr13-48465352-A-G. GRCh37 (hg19) VCF-style: chr13-49039488-A-G.
Other names: c.2473A>G (NM_000321.2); short protein forms M825V.
Identifiers: ClinVar variation 1360347 (VCV001360347.9), dbSNP rs2138346201, ClinGen allele CA388168055.

ClinVar aggregate classification (germline): Uncertain significance. Review status: criteria provided, multiple submitters, no conflicts (2 of 4 stars). 2 submissions from 2 submitters: Uncertain significance (2). Last evaluated 2024-04-12.

Conditions:
Hereditary cancer-predisposing syndrome. Also called: Tumor predisposition; Hereditary neoplastic syndrome; Neoplastic Syndromes, Hereditary; Hereditary Cancer Syndrome. Identifiers: Orphanet 140162, MedGen C0027672, MeSH D009386, MONDO:0015356.
Retinoblastoma (RB1). Also called: RETINOBLASTOMA, SOMATIC. Identifiers: Orphanet 790, MedGen C0035335, MeSH D012175, MONDO:0008380, OMIM 180200, HP:0009919. Disease mechanism: loss of function. Inheritance: Both sporadic and heritable forms are tested..

Submissions (2):

Ambry Genetics
Classification: Uncertain significance for Hereditary cancer-predisposing syndrome. Last evaluated: 2024-04-12. Review status: criteria provided, single submitter. Criteria: Ambry Variant Classification Scheme 2023. Collection method: clinical testing. Allele origin: germline.
Comment: The p.M825V variant (also known as c.2473A>G), located in coding exon 23 of the RB1 gene, results from an A to G substitution at nucleotide position 2473. The methionine at codon 825 is replaced by valine, an amino acid with highly similar properties. This amino acid position is conserved. In addition, the in silico prediction for this alteration is inconclusive. Based on the available evidence, the clinical significance of this variant remains unclear.

Labcorp Genetics (formerly Invitae), Labcorp
Classification: Uncertain significance for Retinoblastoma. Last evaluated: 2021-06-13. Review status: criteria provided, single submitter. Criteria: Invitae Variant Classification Sherloc (09022015). Collection method: clinical testing. Allele origin: germline.
Comment: This sequence change replaces methionine with valine at codon 825 of the RB1 protein (p.Met825Val). The methionine residue is highly conserved and there is a small physicochemical difference between methionine and valine. Algorithms developed to predict the effect of sequence changes on RNA splicing suggest that this variant may create or strengthen a splice site, but this prediction has not been confirmed by published transcriptional studies. Algorithms developed to predict the effect of missense changes on protein structure and function are either unavailable or do not agree on the potential impact of this missense change (SIFT: "Deleterious"; PolyPhen-2: "Probably Damaging"; Align-GVGD: "Class C15"). This variant has not been reported in the literature in individuals with RB1-related conditions. This variant is not present in population databases (ExAC no frequency). In summary, the available evidence is currently insufficient to determine the role of this variant in disease. Therefore, it has been classified as a Variant of Uncertain Significance.